The following is an entry in ClinVar:

NM_004859.4(CLTC):c.3776C>T (p.Ala1259Val)

Gene: CLTC (clathrin heavy chain; plus strand). Cytogenetic location: 17q23.1.
Variant type: single nucleotide variant.
Coding change: c.3776C>T on transcript NM_004859.4 (MANE Select); coding-DNA position 3776, C replaced by T.
Protein change: p.Ala1259Val; replaces alanine 1259 with valine.
Molecular consequence: missense variant.
Genome position (GRCh38, 1-based): chr17:59,682,917, C>T. VCF-style: chr17-59682917-C-T. GRCh37 (hg19) VCF-style: chr17-57760278-C-T.
Other names: c.3788C>T, p.Ala1263Val (NM_001288653.2); short protein forms A1259V, A1263V.
Identifiers: ClinVar variation 4857625 (VCV004857625.1).

ClinVar aggregate classification (germline): Uncertain significance (1 of 4 stars; one submission).

Conditions:
Intellectual developmental disorder, autosomal dominant 56. Also called: Intellectual disability, autosomal dominant 56; MENTAL RETARDATION, AUTOSOMAL DOMINANT 56. Identifiers: MedGen C4693389, MONDO:0030922, OMIM 617854.

Submission:

Kasturba Medical College, Manipal, Kasturba Medical College, Manipal, Manipal Academy of Higher Education, Manipal, India
Classification: Uncertain significance for Intellectual developmental disorder, autosomal dominant 56. Last evaluated: 2026-06-16. Review status: criteria provided, single submitter. Criteria: ACMG Guidelines, 2015. Collection method: research. Allele origin: de novo. Inheritance: Autosomal dominant inheritance. Affected: yes. Observed: 1 variant allele, 1 heterozygote.
Comment: This variant is absent in heterozygous and/or homozygous state in our in-house database of 4303 exomes and gnomAD population database (v4.1.0). In silico prediction tools (CADD_Phred, REVEL, MutationTaster) are consistent in predicting the variant to be damaging to the protein function.